The following is an entry in ClinVar:

ClinVar aggregate classification (germline): Likely benign. Review status: criteria provided, single submitter (1 of 4 stars). 2 submissions from 2 submitters: Likely benign (1). 1 of the submissions does not count toward it. Last evaluated 2022-09-06.

Conditions:
TOR1A-related disorder. Also called: TOR1A-related disorders; TOR1A-related condition.
Dystonic disorder. Also called: Dystonia. Identifiers: MedGen C0013421, MONDO:0003441, HP:0001332.

Allele frequency attached by ClinVar (database versions not stated): gnomAD exomes below 0.00001; TOPMed below 0.00001; gnomAD 0.00001.
gnomAD v4.1: 7 of 1,613,930 alleles (0.00043%); highest among the groups gnomAD compares: African/African-American, 0.004%; no homozygotes.

Submissions (2):

Labcorp Genetics (formerly Invitae), Labcorp
Classification: Likely benign for Dystonic disorder. Last evaluated: 2022-09-06. Review status: criteria provided, single submitter. Criteria: Invitae Variant Classification Sherloc (09022015). Collection method: clinical testing. Allele origin: germline.

PreventionGenetics, part of Exact Sciences
Classification: Likely benign for TOR1A-related condition. Last evaluated: 2020-03-05. Review status: no assertion criteria provided. Collection method: clinical testing. Allele origin: germline. Not counted in ClinVar's aggregate classification.
Comment: This variant is classified as likely benign based on ACMG/AMP sequence variant interpretation guidelines (Richards et al. 2015 PMID: 25741868, with internal and published modifications).

NM_000113.3(TOR1A):c.996T>C (p.Asp332=)

Gene: TOR1A (torsin family 1 member A; minus strand). Cytogenetic location: 9q34.11.
Variant type: single nucleotide variant.
Coding change: c.996T>C on transcript NM_000113.3 (MANE Select); coding-DNA position 996, T replaced by C.
Protein change: p.Asp332=; no amino-acid change (aspartic acid 332 retained).
Molecular consequence: synonymous variant.
Genome position (GRCh38, 1-based): chr9:129,813,975, A>G on the plus strand (T>C on the coding strand, the complement: TOR1A is on the minus strand). VCF-style: chr9-129813975-A-G. GRCh37 (hg19) VCF-style: chr9-132576254-A-G.
Other names: c.996T>C (NM_000113.2).
Identifiers: ClinVar variation 2156061 (VCV002156061.6), dbSNP rs1260567316, ClinGen allele CA467370688.